The following is an entry in ClinVar:

ClinVar aggregate classification (germline): Uncertain significance (1 of 4 stars; one submission).

Conditions:
Tuberous sclerosis 1 (TSC1). Identifiers: Orphanet 805, MedGen C1854465, MONDO:0008612, OMIM 191100.

Submission:

Labcorp Genetics (formerly Invitae), Labcorp
Classification: Uncertain significance for Tuberous sclerosis 1. Last evaluated: 2023-10-09. Review status: criteria provided, single submitter. Criteria: Invitae Variant Classification Sherloc (09022015). Collection method: clinical testing. Allele origin: germline.
Comment: This sequence change replaces glutamic acid, which is acidic and polar, with glycine, which is neutral and non-polar, at codon 744 of the TSC1 protein (p.Glu744Gly). This variant is not present in population databases (gnomAD no frequency). This variant has not been reported in the literature in individuals affected with TSC1-related conditions. Advanced modeling of protein sequence and biophysical properties (such as structural, functional, and spatial information, amino acid conservation, physicochemical variation, residue mobility, and thermodynamic stability) performed at Invitae indicates that this missense variant is not expected to disrupt TSC1 protein function. In summary, the available evidence is currently insufficient to determine the role of this variant in disease. Therefore, it has been classified as a Variant of Uncertain Significance.

NM_000368.5(TSC1):c.2231A>G (p.Glu744Gly)

Gene: TSC1 (TSC complex subunit 1; minus strand). Cytogenetic location: 9q34.13.
Variant type: single nucleotide variant.
Coding change: c.2231A>G on transcript NM_000368.5 (MANE Select); coding-DNA position 2231, A replaced by G.
Protein change: p.Glu744Gly; replaces glutamic acid 744 with glycine.
Molecular consequence: missense variant. On other transcripts: non-coding transcript variant (5).
Genome position (GRCh38, 1-based): chr9:132,902,765, T>C on the plus strand (A>G on the coding strand, the complement: TSC1 is on the minus strand). VCF-style: chr9-132902765-T-C. GRCh37 (hg19) VCF-style: chr9-135778152-T-C.
Other names: c.2228A>G, p.Glu743Gly (NM_001162426.2, NM_001406600.1, NM_001406608.1 and 4 more transcripts); c.2216A>G, p.Glu739Gly (NM_001406601.1, NM_001406602.1); c.2213A>G, p.Glu738Gly (NM_001406603.1, NM_001406604.1); c.2231A>G, p.Glu744Gly (NM_001406605.1, NM_001406606.1, NM_001406607.1 and 5 more transcripts); c.2078A>G, p.Glu693Gly (NM_001162427.2, NM_001406610.1); c.1868A>G, p.Glu623Gly (NM_001362177.2, NM_001406614.1, NM_001406615.1 and 5 more transcripts); c.2075A>G, p.Glu692Gly (NM_001406611.1, NM_001406612.1, NM_001406613.1); c.1865A>G, p.Glu622Gly (NM_001406620.1, NM_001406621.1, NM_001406622.1 and 2 more transcripts); and 3 more; short protein forms E427G, E623G, E744G, E426G, E693G, E738G, E743G, E393G.
Identifiers: ClinVar variation 2762911 (VCV002762911.3), dbSNP rs2538625040, ClinGen allele CA375360031.